The following is an entry in ClinVar:

ClinVar aggregate classification (germline): Uncertain significance (1 of 4 stars; one submission).

Conditions:
Cryptosporidiosis-chronic cholangitis-liver disease syndrome. Also called: Immunodeficiency type 56; IL21R immunodeficiency. Identifiers: Orphanet 357329, MedGen C3554687, MONDO:0014082, OMIM 615207.

Allele frequency attached by ClinVar (database versions not stated): gnomAD exomes below 0.00001; ExAC 0.00001; gnomAD 0.00001; TOPMed 0.00002; 1000 Genomes Project 0.00020; 1000 Genomes Project 30x 0.00031.
gnomAD v4.1: 5 of 1,570,988 alleles (0.00032%); highest among the groups gnomAD compares: African/African-American, 0.0069%; no homozygotes.

Submission:

Labcorp Genetics (formerly Invitae), Labcorp
Classification: Uncertain significance for Cryptosporidiosis-chronic cholangitis-liver disease syndrome. Last evaluated: 2022-04-09. Review status: criteria provided, single submitter. Criteria: Invitae Variant Classification Sherloc (09022015). Collection method: clinical testing. Allele origin: germline.
Comment: This sequence change replaces leucine, which is neutral and non-polar, with phenylalanine, which is neutral and non-polar, at codon 185 of the IL21R protein (p.Leu185Phe). In summary, the available evidence is currently insufficient to determine the role of this variant in disease. Therefore, it has been classified as a Variant of Uncertain Significance. Algorithms developed to predict the effect of missense changes on protein structure and function are either unavailable or do not agree on the potential impact of this missense change (SIFT: "Deleterious"; PolyPhen-2: "Possibly Damaging"; Align-GVGD: "Class C0"). This variant has not been reported in the literature in individuals affected with IL21R-related conditions. The frequency data for this variant in the population databases is considered unreliable, as metrics indicate poor data quality at this position in the gnomAD database.

NM_181078.3(IL21R):c.553C>T (p.Leu185Phe)

Gene: IL21R (interleukin 21 receptor; plus strand). Cytogenetic location: 16p12.1.
Variant type: single nucleotide variant.
Coding change: c.553C>T on transcript NM_181078.3 (MANE Select); coding-DNA position 553, C replaced by T.
Protein change: p.Leu185Phe; replaces leucine 185 with phenylalanine.
Molecular consequence: missense variant.
Genome position (GRCh38, 1-based): chr16:27,444,587, C>T. VCF-style: chr16-27444587-C-T. GRCh37 (hg19) VCF-style: chr16-27455908-C-T.
Other names: c.553C>T, p.Leu185Phe (NM_021798.4); c.619C>T, p.Leu207Phe (NM_181079.5); short protein forms L185F, L207F.
Identifiers: ClinVar variation 2123873 (VCV002123873.3), dbSNP rs540871969, ClinGen allele CA7975008.
Genomic context (GRCh38, chr16:27,444,587, plus strand): 5'-TCCTTGTACTGGCAGAGTCCGAGGAGAAAGCTGATCTCAGTGGACTCAAGAAGTGTCTCC[C>T]TCCTCCCCCTGGAGTTCCGCAAAGACTCGAGCTATGAGCTGCAGGTGCGGGCAGGGCCCA-3'
Protein context (NP_851564.1, residues 175-195): LISVDSRSVS[Leu185Phe]LPLEFRKDSS